The following is an entry in ClinVar:

ClinVar aggregate classification (germline): Uncertain significance (1 of 4 stars; one submission).

Submission:

Labcorp Genetics (formerly Invitae), Labcorp
Classification: Uncertain significance. Last evaluated: 2025-08-04. Review status: criteria provided, single submitter. Criteria: Invitae Variant Classification Sherloc (09022015). Collection method: clinical testing. Allele origin: germline.
Comment: This sequence change replaces alanine, which is neutral and non-polar, with valine, which is neutral and non-polar, at codon 95 of the CARD8 protein (p.Ala95Val). This variant is not present in population databases (gnomAD no frequency). This variant has not been reported in the literature in individuals affected with CARD8-related conditions. An algorithm developed to predict the effect of missense changes on protein structure and function (PolyPhen-2) suggests that this variant is likely to be tolerated. Algorithms developed to predict the effect of sequence changes on RNA splicing suggest that this variant may create or strengthen a splice site. In summary, the available evidence is currently insufficient to determine the role of this variant in disease. Therefore, it has been classified as a Variant of Uncertain Significance.

NM_001184900.3(CARD8):c.434C>T (p.Ala145Val)

Gene: CARD8 (caspase recruitment domain family member 8; minus strand). Cytogenetic location: 19q13.33.
Variant type: single nucleotide variant.
Coding change: c.434C>T on transcript NM_001184900.3 (MANE Select); coding-DNA position 434, C replaced by T.
Protein change: p.Ala145Val; replaces alanine 145 with valine.
Molecular consequence: missense variant. On other transcripts: non-coding transcript variant (4).
Genome position (GRCh38, 1-based): chr19:48,231,768, G>A on the plus strand (C>T on the coding strand, the complement: CARD8 is on the minus strand). VCF-style: chr19-48231768-G-A. GRCh37 (hg19) VCF-style: chr19-48735025-G-A.
Other names: c.284C>T, p.Ala95Val (NM_001184901.1, NM_001351783.2, NM_001351788.2 and 2 more transcripts); c.434C>T, p.Ala145Val (NM_001184902.2, NM_001184903.1, NM_001351782.2); c.119C>T, p.Ala40Val (NM_001351784.2, NM_001351787.2, NM_001351791.2 and 2 more transcripts); c.98C>T, p.Ala33Val (NM_001351786.2); c.191C>T, p.Ala64Val (NM_001351790.2); short protein forms A40V, A64V, A95V, A145V, A33V.
Identifiers: ClinVar variation 4716048 (VCV004716048.1).
Genomic context (GRCh38, chr19:48,231,768, plus strand): 5'-TCAGGCCCCAGAAACTGACGATTTTTATAATCTTCTTCGATCTCAAAACAGACTTTAGAA[G>A]CATAAGAGGAAACTATTTGATTCTCTTCTGAGCAAATGTCTCCTGAAAAGAAAATACTAG-3'
Protein context (NP_001171829.1, residues 135-155): SEENQIVSSY[Ala145Val]SKVCFEIEED